The following is an entry in ClinVar:

ClinVar aggregate classification (germline): Uncertain significance (1 of 4 stars; one submission).

Allele frequency attached by ClinVar (database versions not stated): gnomAD 0.00001; gnomAD exomes 0.00001.
gnomAD v4.1: 14 of 1,614,128 alleles (0.00087%); highest among the groups gnomAD compares: Non-Finnish European, 0.0011%; no homozygotes.

Submission:

Labcorp Genetics (formerly Invitae), Labcorp
Classification: Uncertain significance. Last evaluated: 2022-08-24. Review status: criteria provided, single submitter. Criteria: Invitae Variant Classification Sherloc (09022015). Collection method: clinical testing. Allele origin: germline.
Comment: Algorithms developed to predict the effect of missense changes on protein structure and function (SIFT, PolyPhen-2, Align-GVGD) all suggest that this variant is likely to be tolerated. This variant has not been reported in the literature in individuals affected with NR3C2-related conditions. This variant is present in population databases (no rsID available, gnomAD 0.007%). This sequence change replaces asparagine, which is neutral and polar, with aspartic acid, which is acidic and polar, at codon 123 of the NR3C2 protein (p.Asn123Asp). In summary, the available evidence is currently insufficient to determine the role of this variant in disease. Therefore, it has been classified as a Variant of Uncertain Significance.

NM_000901.5(NR3C2):c.367A>G (p.Asn123Asp)

Gene: NR3C2 (nuclear receptor subfamily 3 group C member 2; minus strand). Cytogenetic location: 4q31.23.
Variant type: single nucleotide variant.
Coding change: c.367A>G on transcript NM_000901.5 (MANE Select); coding-DNA position 367, A replaced by G.
Protein change: p.Asn123Asp; replaces asparagine 123 with aspartic acid.
Molecular consequence: missense variant. On other transcripts: non-coding transcript variant (1).
Genome position (GRCh38, 1-based): chr4:148,436,494, T>C on the plus strand (A>G on the coding strand, the complement: NR3C2 is on the minus strand). VCF-style: chr4-148436494-T-C. GRCh37 (hg19) VCF-style: chr4-149357646-T-C.
Other names: c.367A>G, p.Asn123Asp (NM_001166104.2, NM_001354819.1); short protein forms N123D.
Identifiers: ClinVar variation 1714139 (VCV001714139.5), dbSNP rs912272677, ClinGen allele CA107874259.